The following is an entry in ClinVar:

ClinVar aggregate classification (germline): Conflicting classifications of pathogenicity. Review status: criteria provided, conflicting classifications (1 of 4 stars). 2 submissions from 2 submitters: Likely pathogenic (1); Uncertain significance (1). Last evaluated 2026-04-01.

Conditions:
Oculocutaneous albinism type 1. Also called: Albinism 1; ALBINISM I. Identifiers: Orphanet 352731, MedGen C0268494, MONDO:0018135. Disease mechanism: loss of function.

gnomAD v4.1: 1 of 1,614,216 alleles (0.000062%); no homozygotes.

Submissions (2):

Myriad Genetics, Inc.
Classification: Uncertain significance for Oculocutaneous albinism type 1. Last evaluated: 2026-04-01. Review status: criteria provided, single submitter. Criteria: Myriad Autosomal Dominant, Autosomal Recessive and X-Linked Classification Criteria (2023). Collection method: clinical testing. Allele origin: unknown.
Comment: NM_000372.4(TYR):c.158G>T(G53V) is a missense variant classified as a variant of uncertain significance in the context of oculocutaneous albinism, TYR-related. G53V has not been observed in cases with relevant disease. Relevant functional assessments of this variant are not available in the literature. G53V has not been observed in referenced population frequency databases. In summary, there is insufficient evidence to classify NM_000372.4(TYR):c.158G>T(G53V) as pathogenic or benign. Please note: this variant was assessed in the context of healthy population screening.

Revvity Omics, Revvity
Classification: Likely pathogenic. Last evaluated: 2022-03-30. Review status: criteria provided, single submitter. Criteria: ACMG Guidelines, 2015. Collection method: clinical testing. Allele origin: germline.

NM_000372.5(TYR):c.158G>T (p.Gly53Val)

Gene: TYR (tyrosinase; plus strand). Cytogenetic location: 11q14.3.
Variant type: single nucleotide variant.
Coding change: c.158G>T on transcript NM_000372.5 (MANE Select); coding-DNA position 158, G replaced by T.
Protein change: p.Gly53Val; replaces glycine 53 with valine.
Molecular consequence: missense variant.
Genome position (GRCh38, 1-based): chr11:89,178,111, G>T. VCF-style: chr11-89178111-G-T. GRCh37 (hg19) VCF-style: chr11-88911279-G-T.
Other names: short protein forms G53V.
Identifiers: ClinVar variation 2434418 (VCV002434418.4), dbSNP rs2496528146, ClinGen allele CA382033592.